The following is an entry in ClinVar:

ClinVar aggregate classification (germline): Likely benign. Review status: criteria provided, multiple submitters, no conflicts (2 of 4 stars). 4 submissions from 4 submitters: Likely benign (4). Last evaluated 2026-09-01.

Conditions:
Adams-Oliver syndrome 5 (AOS5). Identifiers: Orphanet 974, MedGen C4014970, MONDO:0014459, OMIM 616028.
Familial thoracic aortic aneurysm and aortic dissection (TAAD). Also called: Thoracic aortic aneurysms and dissections. Identifiers: Orphanet 91387, MedGen C4707243, MONDO:0019625.

Allele frequency attached by ClinVar (database versions not stated): 1000 Genomes Project 30x 0.00031; gnomAD 0.00001 and 0.00004; gnomAD exomes 0.00002 and 0.00004; TOPMed 0.00002; ExAC 0.00006; ESP Exome Variant Server 0.00016.
gnomAD v4.1: 33 of 1,611,584 alleles (0.002%); highest among the groups gnomAD compares: Admixed American, 0.012%; no homozygotes.

Submissions (4):

CeGaT Center for Human Genetics Tuebingen
Classification: Likely benign. Last evaluated: 2026-09-01. Review status: criteria provided, single submitter. Criteria: CeGaT Center For Human Genetics Tuebingen Variant Classification Criteria Version 2. Collection method: clinical testing. Allele origin: germline. Affected: yes. Observed: 1 variant allele.
Comment: NOTCH1: BP4, BP7

Labcorp Genetics (formerly Invitae), Labcorp
Classification: Likely benign for Adams-Oliver syndrome 5. Last evaluated: 2025-12-07. Review status: criteria provided, single submitter. Criteria: Invitae Variant Classification Sherloc (09022015). Collection method: clinical testing. Allele origin: germline.

Blueprint Genetics
Classification: Likely benign. Last evaluated: 2024-09-16. Review status: criteria provided, single submitter. Criteria: ACMG Guidelines, 2015. Collection method: clinical testing. Allele origin: germline.

Ambry Genetics
Classification: Likely benign for Familial thoracic aortic aneurysm and aortic dissection. Last evaluated: 2022-06-14. Review status: criteria provided, single submitter. Criteria: Ambry Variant Classification Scheme 2023. Collection method: clinical testing. Allele origin: germline.

NM_017617.5(NOTCH1):c.1842C>T (p.His614=)

Gene: NOTCH1 (notch receptor 1; minus strand). Cytogenetic location: 9q34.3.
Variant type: single nucleotide variant.
Coding change: c.1842C>T on transcript NM_017617.5 (MANE Select); coding-DNA position 1842, C replaced by T.
Protein change: p.His614=; no amino-acid change (histidine 614 retained).
Molecular consequence: synonymous variant.
Genome position (GRCh38, 1-based): chr9:136,515,544, G>A on the plus strand (C>T on the coding strand, the complement: NOTCH1 is on the minus strand). VCF-style: chr9-136515544-G-A. GRCh37 (hg19) VCF-style: chr9-139409996-G-A.
Identifiers: ClinVar variation 1119080 (VCV001119080.13), dbSNP rs375349485, ClinGen allele CA5341619.